The following is an entry in ClinVar:

NM_014915.3(ANKRD26):c.2078C>T (p.Thr693Ile)

Gene: ANKRD26 (ankyrin repeat domain 26; minus strand). Cytogenetic location: 10p12.1.
Variant type: single nucleotide variant.
Coding change: c.2078C>T on transcript NM_014915.3 (MANE Select); coding-DNA position 2078, C replaced by T.
Protein change: p.Thr693Ile; replaces threonine 693 with isoleucine.
Molecular consequence: missense variant.
Genome position (GRCh38, 1-based): chr10:27,043,509, G>A on the plus strand (C>T on the coding strand, the complement: ANKRD26 is on the minus strand). VCF-style: chr10-27043509-G-A. GRCh37 (hg19) VCF-style: chr10-27332438-G-A.
Other names: c.2075C>T, p.Thr692Ile (NM_001256053.2); short protein forms T692I, T693I.
Identifiers: ClinVar variation 1338187 (VCV001338187.10), dbSNP rs765372329, ClinGen allele CA5448305.

ClinVar aggregate classification (germline): Uncertain significance. Review status: criteria provided, multiple submitters, no conflicts (2 of 4 stars). 4 submissions from 4 submitters: Uncertain significance (4). Last evaluated 2025-02-25.

Conditions:
Inborn genetic diseases. Identifiers: MedGen C0950123, MeSH D030342.

Allele frequency attached by ClinVar (database versions not stated): gnomAD 0.00001; gnomAD exomes 0.00002 and 0.00004; TOPMed 0.00003; ExAC 0.00005.
gnomAD v4.1: 36 of 1,613,778 alleles (0.0022%); highest among the groups gnomAD compares: Non-Finnish European, 0.0028%; no homozygotes.

Submissions (4):

Ambry Genetics
Classification: Uncertain significance for Inborn genetic diseases. Last evaluated: 2025-02-25. Review status: criteria provided, single submitter. Criteria: Ambry Variant Classification Scheme 2023. Collection method: clinical testing. Allele origin: germline.

Labcorp Genetics (formerly Invitae), Labcorp
Classification: Uncertain significance. Last evaluated: 2024-07-17. Review status: criteria provided, single submitter. Criteria: Invitae Variant Classification Sherloc (09022015). Collection method: clinical testing. Allele origin: germline.
Comment: This sequence change replaces threonine, which is neutral and polar, with isoleucine, which is neutral and non-polar, at codon 693 of the ANKRD26 protein (p.Thr693Ile). This variant is present in population databases (rs765372329, gnomAD 0.007%). This variant has not been reported in the literature in individuals affected with ANKRD26-related conditions. ClinVar contains an entry for this variant (Variation ID: 1338187). An algorithm developed to predict the effect of missense changes on protein structure and function outputs the following: PolyPhen-2: "Benign". The isoleucine amino acid residue is found in multiple mammalian species, which suggests that this missense change does not adversely affect protein function. In summary, the available evidence is currently insufficient to determine the role of this variant in disease. Therefore, it has been classified as a Variant of Uncertain Significance.

GeneDx
Classification: Uncertain significance. Last evaluated: 2024-02-07. Review status: criteria provided, single submitter. Criteria: GeneDx Variant Classification Process June 2021. Collection method: clinical testing. Allele origin: germline. Affected: yes.
Comment: In silico analysis supports that this missense variant has a deleterious effect on protein structure/function; Has not been previously published as pathogenic or benign to our knowledge

Genetic Services Laboratory, University of Chicago
Classification: Uncertain significance. Last evaluated: 2021-12-16. Review status: criteria provided, single submitter. Criteria: ACMG Guidelines, 2015. Collection method: clinical testing. Allele origin: germline. Affected: no.
Comment: DNA sequence analysis of the ANKRD26 gene demonstrated a sequence change, c.2078C>T, in exon 20 that results in an amino acid change, p.Thr693Ile. This sequence change has been described in the gnomAD database with a frequency of 0.008% in the non-Finnish European subpopulation (dbSNP rs765372329). The p.Thr693Ile change affects a moderately conserved amino acid residue located in a domain of the ANKRD26 protein that is not known to be functional. The p.Thr693Ile substitution appears to be benign using several in-silico pathogenicity prediction tools (SIFT, PolyPhen2, Align GVGD, REVEL). This sequence change does not appear to have been previously described in individuals with ANKRD26-related disorders. Due to insufficient evidences and the lack of functional studies, the clinical significance of the p.Thr693Ile change remains unknown at this time.